The following is an entry in ClinVar:

NM_001267550.2(TTN):c.104865T>G (p.Cys34955Trp)

Genes: TTN (titin; minus strand), TTN-AS1 (TTN antisense RNA 1; plus strand). Cytogenetic location: 2q31.2.
Variant type: single nucleotide variant.
Coding change: c.104865T>G on transcript NM_001267550.2 (MANE Select); coding-DNA position 104865, T replaced by G.
Protein change: p.Cys34955Trp; replaces cysteine 34955 with tryptophan.
Molecular consequence: missense variant.
Genome position (GRCh38, 1-based): chr2:178,531,750, A>C on the plus strand (T>G on the coding strand, the complement: TTN is on the minus strand). VCF-style: chr2-178531750-A-C. GRCh37 (hg19) VCF-style: chr2-179396477-A-C.
Other names: c.99942T>G, p.Cys33314Trp (NM_001256850.1); c.77670T>G, p.Cys25890Trp (NM_003319.4); c.97161T>G, p.Cys32387Trp (NM_133378.4); c.78045T>G, p.Cys26015Trp (NM_133432.3); c.78246T>G, p.Cys26082Trp (NM_133437.4); short protein forms C25890W, C32387W, C26082W, C33314W, C26015W, C34955W.
Identifiers: ClinVar variation 2016535 (VCV002016535.4), dbSNP rs2468421349, ClinGen allele CA349410688.

ClinVar aggregate classification (germline): Uncertain significance (1 of 4 stars; one submission).

Conditions:
Autosomal recessive limb-girdle muscular dystrophy type 2J (LGMDR10). Also called: Limb-girdle muscular dystrophy, type 2J; MUSCULAR DYSTROPHY, LIMB-GIRDLE, AUTOSOMAL RECESSIVE 10. Identifiers: Orphanet 140922, MedGen C1837342, MONDO:0012127, OMIM 608807.
Dilated cardiomyopathy 1G (CMD1G). Identifiers: Orphanet 154, MedGen C1858763, MONDO:0011400, OMIM 604145.

Submission:

Labcorp Genetics (formerly Invitae), Labcorp
Classification: Uncertain significance for Dilated cardiomyopathy 1G; Autosomal recessive limb-girdle muscular dystrophy type 2J. Last evaluated: 2022-12-14. Review status: criteria provided, single submitter. Criteria: Invitae Variant Classification Sherloc (09022015). Collection method: clinical testing. Allele origin: germline.
Comment: In summary, the available evidence is currently insufficient to determine the role of this variant in disease. Therefore, it has been classified as a Variant of Uncertain Significance. This variant is located in the M band of TTN (PMID: 25589632). Variants in this region may be relevant for neuromuscular disorders, but have not been definitively shown to cause cardiomyopathy (PMID: 23975875). Experimental studies and prediction algorithms are not available or were not evaluated, and the functional significance of this variant is currently unknown. This variant has not been reported in the literature in individuals affected with TTN-related conditions. This variant is not present in population databases (gnomAD no frequency). This sequence change replaces cysteine, which is neutral and slightly polar, with tryptophan, which is neutral and slightly polar, at codon 34955 of the TTN protein (p.Cys34955Trp).

Literature cited by the submitters: PubMed 25589632; PubMed 23975875.